The following is an entry in ClinVar:

ClinVar aggregate classification (germline): Uncertain significance. Review status: criteria provided, multiple submitters, no conflicts (2 of 4 stars). 6 submissions from 6 submitters: Uncertain significance (6). Last evaluated 2026-05-01.

Conditions:
Cardiovascular phenotype. Identifiers: MedGen CN230736.
Cardiomyopathy (CMYO). Also called: Cardiomyopathies. Identifiers: Orphanet 167848, MedGen C0878544, MONDO:0004994, HP:0001638. Inheritance: Various modes of inheritance.
Hypertrophic cardiomyopathy. Also called: HYPERTROPHIC MYOCARDIOPATHY. Identifiers: Orphanet 217569, MedGen C0007194, MeSH D002312, MONDO:0005045, HP:0001639.

Allele frequency attached by ClinVar (database versions not stated): gnomAD exomes 0.00001 and 0.00003; TOPMed 0.00001; ExAC 0.00003; gnomAD 0.00002.

Submissions (6):

Women's Health and Genetics/Laboratory Corporation of America, LabCorp
Classification: Uncertain significance. Last evaluated: 2026-05-01. Review status: criteria provided, single submitter. Criteria: LabCorp Variant Classification Summary - May 2015. Collection method: clinical testing. Allele origin: germline.
Comment: Variant summary: TPM1 c.841A>G (p.Met281Val) results in a conservative amino acid change in the encoded protein sequence. Algorithms developed to predict the effect of missense changes on protein structure and function are either unavailable or do not agree on the potential impact of this missense change. The variant allele was found at a frequency of 2.8e-05 in 250758 control chromosomes. The available data on variant occurrences in the general population are insufficient to allow any conclusion about variant significance. c.841A>G has been observed in individuals affected with Hypertrophic Cardiomyopathy (e.g. Gomez_2017, Walsh_2017, Mendes de Almeida_2017, Mademont-Soler_2017, McGurk_2023). However, these reports do not provide unequivocal conclusions about association of the variant with Hypertrophic Cardiomyopathy. To our knowledge, no experimental evidence demonstrating an impact on protein function has been reported. The following publications have been ascertained in the context of this evaluation (PMID: 28356264, 28771489, 37652022, 28797094, 27532257). ClinVar contains an entry for this variant (Variation ID: 43448). Based on the evidence outlined above, the variant was classified as uncertain significance.

Labcorp Genetics (formerly Invitae), Labcorp
Classification: Uncertain significance for Hypertrophic cardiomyopathy. Last evaluated: 2025-10-27. Review status: criteria provided, single submitter. Criteria: Invitae Variant Classification Sherloc (09022015). Collection method: clinical testing. Allele origin: germline.
Comment: This sequence change replaces methionine, which is neutral and non-polar, with valine, which is neutral and non-polar, at codon 281 of the TPM1 protein (p.Met281Val). This variant is present in population databases (rs397516394, gnomAD 0.02%). This missense change has been observed in individual(s) with clinical features of hypertrophic cardiomyopathy (PMID: 27532257, 28356264, 28797094, 37652022). ClinVar contains an entry for this variant (Variation ID: 43448). An algorithm developed to predict the effect of missense changes on protein structure and function (PolyPhen-2) suggests that this variant is likely to be tolerated. This variant disrupts the p.Met281 amino acid residue in TPM1. Other variant(s) that disrupt this residue have been determined to be pathogenic (PMID: 12860912, 18533079, 20965760, 21835320, 22112859, 25524337, 25548289). This suggests that this residue is clinically significant, and that variants that disrupt this residue are likely to be disease-causing. In summary, the available evidence is currently insufficient to determine the role of this variant in disease. Therefore, it has been classified as a Variant of Uncertain Significance.

Color Diagnostics, LLC DBA Color Health
Classification: Uncertain significance for Cardiomyopathy. Last evaluated: 2025-06-27. Review status: criteria provided, single submitter. Criteria: ACMG Guidelines, 2015. Collection method: clinical testing. Allele origin: germline.
Comment: This missense variant replaces methionine with valine at codon 281 of the TPM1 protein. Computational prediction is inconclusive regarding the impact of this variant on protein structure and function To our knowledge, functional studies have not been reported for this variant. This variant has been reported in several individuals affected with hypertrophic cardiomyopathy (PMID: 25342278, 25611685, 27532257, 28356264, 28797094, 37652022). This variant has been identified in 8/282158 chromosomes in the general population by the Genome Aggregation Database (gnomAD). A different variant affecting the same codon, p.Met281Thr, is considered to be disease-causing (ClinVar Variation ID: 31885), suggesting that methionine at this position is important for TPM1 protein function. The available evidence is insufficient to determine the role of this variant in disease conclusively. Therefore, this variant is classified as a Variant of Uncertain Significance.

GeneDx
Classification: Uncertain significance. Last evaluated: 2025-04-18. Review status: criteria provided, single submitter. Criteria: GeneDx Variant Classification Process June 2021. Collection method: clinical testing. Allele origin: germline. Affected: yes.
Comment: In silico analysis indicates that this missense variant does not alter protein structure/function; This variant is associated with the following publications: (PMID: 28797094, 23886664, 25342278, 27532257, 34699384, 31983221, 28356264, 37652022, 28771489, 33642254)

Ambry Genetics
Classification: Uncertain significance for Cardiovascular phenotype. Last evaluated: 2022-11-10. Review status: criteria provided, single submitter. Criteria: Ambry Variant Classification Scheme 2023. Collection method: clinical testing. Allele origin: germline.

Laboratory for Molecular Medicine, Mass General Brigham Personalized Medicine
Classification: Uncertain significance. Last evaluated: 2013-08-27. Review status: criteria provided, single submitter. Criteria: LMM Criteria. Collection method: clinical testing. Allele origin: germline. Observed: 4 variant alleles.
Comment: The Met281Val variant in TPM1 has now been identified by our laboratory in 2 Cau casian individuals with HCM, though it did not segregate with disease in one aff ected relative. This variant has not been identified in large population studies . Conservation and other computational analyses are unreliable for this exon. Fi nally, another variant of unknown significance has been reported at this positio n in two patients with HCM (Met281Thr; Van Driest 2003, LMM unpublished data). I n summary, additional information is needed to fully assess the clinical signifi cance of this variant.

Literature cited by the submitters: PubMed 27532257 (cited by 3 submitters); PubMed 28771489 (cited by Women's Health and Genetics/Laboratory Corporation of America, LabCorp); PubMed 28356264 (cited by 3 submitters); PubMed 28797094 (cited by 3 submitters); PubMed 37652022 (cited by 3 submitters); PubMed 12860912 (cited by Labcorp Genetics (formerly Invitae), Labcorp); PubMed 18533079 (cited by Labcorp Genetics (formerly Invitae), Labcorp); PubMed 20965760 (cited by Labcorp Genetics (formerly Invitae), Labcorp); PubMed 21835320 (cited by Labcorp Genetics (formerly Invitae), Labcorp); PubMed 22112859 (cited by Labcorp Genetics (formerly Invitae), Labcorp); PubMed 25524337 (cited by Labcorp Genetics (formerly Invitae), Labcorp); PubMed 25548289 (cited by Labcorp Genetics (formerly Invitae), Labcorp); PubMed 25342278 (cited by Color Diagnostics, LLC DBA Color Health); PubMed 25611685 (cited by Color Diagnostics, LLC DBA Color Health).

NM_001018005.2(TPM1):c.841A>G (p.Met281Val)

Gene: TPM1 (tropomyosin 1; plus strand). Cytogenetic location: 15q22.2.
Variant type: single nucleotide variant.
Coding change: c.841A>G on transcript NM_001018005.2 (MANE Select); coding-DNA position 841, A replaced by G.
Protein change: p.Met281Val; replaces methionine 281 with valine.
Molecular consequence: missense variant. On other transcripts: intron variant (12).
Genome position (GRCh38, 1-based): chr15:63,064,132, A>G. VCF-style: chr15-63064132-A-G. GRCh37 (hg19) VCF-style: chr15-63356331-A-G.
Other names: p.M281V:ATG>GTG; c.841A>G, p.Met281Val (NM_000366.6, NM_001301244.2, NM_001365779.1); c.733A>G, p.Met245Val (NM_001330346.2, NM_001365781.2, NM_001365782.1); c.898+1487A>G (NM_001365778.1); c.772+1487A>G (NM_001018020.2, NM_001018007.2, NM_001018006.2 and 3 more transcripts); c.664+1487A>G (NM_001330351.2, NM_001330344.2, NM_001018008.2 and 2 more transcripts); short protein forms M281V, M245V.
Identifiers: ClinVar variation 43448 (VCV000043448.22), dbSNP rs397516394, ClinGen allele CA018410.